The following is an entry in ClinVar:

NM_001365902.3(NFIX):c.142A>G (p.Met48Val)

Gene: NFIX (nuclear factor I X; plus strand). Cytogenetic location: 19p13.13.
Variant type: single nucleotide variant.
Coding change: c.142A>G on transcript NM_001365902.3 (MANE Select); coding-DNA position 142, A replaced by G.
Protein change: p.Met48Val; replaces methionine 48 with valine.
Molecular consequence: missense variant. On other transcripts: initiator codon variant (1).
Genome position (GRCh38, 1-based): chr19:13,025,135, A>G. VCF-style: chr19-13025135-A-G. GRCh37 (hg19) VCF-style: chr19-13135949-A-G.
Other names: c.166A>G, p.Met56Val (NM_001271043.2); c.118A>G, p.Met40Val (NM_001271044.3, NM_001378404.1); c.142A>G, p.Met48Val (NM_001365982.2, NM_002501.4); c.1A>G, p.Met1Val (NM_001365983.2); c.139A>G, p.Met47Val (NM_001365984.2, NM_001365985.2); c.190A>G, p.Met64Val (NM_001378405.1); c.142A>G (NM_002501.2); short protein forms M1V, M40V, M47V, M48V, M56V, M64V.
Identifiers: ClinVar variation 2574720 (VCV002574720.4), dbSNP rs758504284, ClinGen allele CA404313321.

ClinVar aggregate classification (germline): Conflicting classifications of pathogenicity. Review status: criteria provided, conflicting classifications (1 of 4 stars). 2 submissions from 2 submitters: Likely pathogenic (1); Uncertain significance (1). Last evaluated 2025-12-15.

Conditions:
Inborn genetic diseases. Identifiers: MedGen C0950123, MeSH D030342.

Submissions (2):

GeneDx
Classification: Likely pathogenic. Last evaluated: 2025-12-15. Review status: criteria provided, single submitter. Criteria: GeneDx Variant Classification Process June 2021. Collection method: clinical testing. Allele origin: germline. Affected: yes.
Comment: Not observed at significant frequency in large population cohorts (gnomAD); In silico analysis supports that this missense variant has a deleterious effect on protein structure/function; Has not been previously published as pathogenic or benign to our knowledge

Ambry Genetics
Classification: Uncertain significance for Inborn genetic diseases. Last evaluated: 2024-04-26. Review status: criteria provided, single submitter. Criteria: Ambry Variant Classification Scheme 2023. Collection method: clinical testing. Allele origin: germline.
Comment: The c.142A>G (p.M48V) alteration is located in exon 2 (coding exon 2) of the NFIX gene. This alteration results from an A to G substitution at nucleotide position 142, causing the methionine (M) at amino acid position 48 to be replaced by a valine (V). This variant was not reported in population-based cohorts in the Genome Aggregation Database (gnomAD). This amino acid position is highly conserved in available vertebrate species. This missense alteration is located in a region that has a low rate of benign missense variation (Lek, 2016; Firth, 2009). The in silico prediction for this alteration is inconclusive. Based on insufficient or conflicting evidence, the clinical significance of this alteration remains unclear.